The following is an entry in ClinVar:

ClinVar aggregate classification (germline): Likely benign (1 of 4 stars; one submission).

Conditions:
Leigh syndrome (NULS). Also called: Leigh's necrotizing encephalopathy; Leigh's disease; Leigh Syndrome (mtDNA deletion); Leigh Disease; Subacute necrotizing encephalopathy; Necrotizing encephalopathy infantile subacute of Leigh. Identifiers: Orphanet 506, MedGen C2931891, MONDO:0009723, OMIM 256000.

Submission:

Wong Mito Lab, Molecular and Human Genetics, Baylor College of Medicine
Classification: Likely benign for Leigh syndrome. Last evaluated: 2019-10-17. Review status: criteria provided, single submitter. Criteria: Modified ACMG Guidelines (Unpublished). Collection method: clinical testing. Allele origin: germline.
Comment: The NC_012920.1:m.8987T>C (YP_003024031.1:p.Met154Thr) variant in MTATP6 gene is interpretated to be a Likely Benign variant based on the modified ACMG guidelines (unpublished). This variant meets the following evidence codes: BS1, BP6

NC_012920.1(MT-ATP6):m.8987T>C

Gene: MT-ATP6 (mitochondrially encoded ATP synthase 6; plus strand).
Variant type: single nucleotide variant.
Genome position: chrM-8987-T-C.
Identifiers: ClinVar variation 693045 (VCV000693045.1), dbSNP rs1603221957, ClinGen allele CA414801769.